The following is an entry in ClinVar:

NM_015909.4(NBAS):c.1549C>T (p.Arg517Cys)

Gene: NBAS (NBAS subunit of NRZ tethering complex; minus strand). Cytogenetic location: 2p24.3.
Variant type: single nucleotide variant.
Coding change: c.1549C>T on transcript NM_015909.4 (MANE Select); coding-DNA position 1549, C replaced by T.
Protein change: p.Arg517Cys; replaces arginine 517 with cysteine.
Molecular consequence: missense variant. On other transcripts: non-coding transcript variant (1).
Genome position (GRCh38, 1-based): chr2:15,474,117, G>A on the plus strand (C>T on the coding strand, the complement: NBAS is on the minus strand). VCF-style: chr2-15474117-G-A. GRCh37 (hg19) VCF-style: chr2-15614241-G-A.
Other names: short protein forms R517C.
Identifiers: ClinVar variation 449738 (VCV000449738.44), dbSNP rs370526257, ClinGen allele CA1536652.

ClinVar aggregate classification (germline): Conflicting classifications of pathogenicity. Review status: criteria provided, conflicting classifications (1 of 4 stars). 5 submissions from 5 submitters: Likely pathogenic (4); Uncertain significance (1). Last evaluated 2024-12-11.

Conditions:
Acute infantile liver failure due to synthesis defect of mtDNA-encoded proteins. Also called: LIVER FAILURE, INFANTILE, TRANSIENT; TRMU Deficiency; Liver failure acute infantile. Identifiers: Orphanet 217371, MedGen C3278664, MONDO:0013111, OMIM 613070.
NBAS-related disorder. Also called: NBAS-related condition.

Allele frequency attached by ClinVar (database versions not stated): gnomAD 0.00001; TOPMed 0.00001; ExAC 0.00002; gnomAD exomes 0.00002; ESP Exome Variant Server 0.00008.
gnomAD v4.1: 25 of 1,614,054 alleles (0.0015%); highest among the groups gnomAD compares: Non-Finnish European, 0.002%; no homozygotes.

Submissions (5):

Women's Health and Genetics/Laboratory Corporation of America, LabCorp
Classification: Likely pathogenic for Acute infantile liver failure due to synthesis defect of mtDNA-encoded proteins. Last evaluated: 2024-12-11. Review status: criteria provided, single submitter. Criteria: LabCorp Variant Classification Summary - May 2015. Collection method: clinical testing. Allele origin: germline.
Comment: Variant summary: NBAS c.1549C>T (p.Arg517Cys) results in a non-conservative amino acid change in the encoded protein sequence. Three of five in-silico tools predict a benign effect of the variant on protein function. The variant allele was found at a frequency of 1.6e-05 in 251440 control chromosomes (gnomAD). c.1549C>T has been reported in the literature in individuals affected with Liver Failure Acute Infantile, Type 2 (Staufner_2020, Cotrina-Vinagre_2021, Geem_2021, Krishnan_2021). These data indicate that the variant is likely to be associated with disease. To our knowledge, no experimental evidence demonstrating an impact on protein function has been reported. The following publications have been ascertained in the context of this evaluation (PMID: 31761904, 33707149, 34288298, 33542026). ClinVar contains an entry for this variant (Variation ID: 449738). Based on the evidence outlined above, the variant was classified as likely pathogenic.

Labcorp Genetics (formerly Invitae), Labcorp
Classification: Uncertain significance. Last evaluated: 2024-11-18. Review status: criteria provided, single submitter. Criteria: Invitae Variant Classification Sherloc (09022015). Collection method: clinical testing. Allele origin: germline.
Comment: This sequence change replaces arginine, which is basic and polar, with cysteine, which is neutral and slightly polar, at codon 517 of the NBAS protein (p.Arg517Cys). This variant is present in population databases (rs370526257, gnomAD 0.004%). This missense change has been observed in individual(s) with clinical features of NBAS-related conditions (PMID: 31761904, 33542026, 33707149, 34288298). ClinVar contains an entry for this variant (Variation ID: 449738). Invitae Evidence Modeling of protein sequence and biophysical properties (such as structural, functional, and spatial information, amino acid conservation, physicochemical variation, residue mobility, and thermodynamic stability) has been performed for this missense variant. However, the output from this modeling did not meet the statistical confidence thresholds required to predict the impact of this variant on NBAS protein function. In summary, the available evidence is currently insufficient to determine the role of this variant in disease. Therefore, it has been classified as a Variant of Uncertain Significance.

PreventionGenetics, part of Exact Sciences
Classification: Likely pathogenic for NBAS-related condition. Last evaluated: 2023-06-21. Review status: criteria provided, single submitter. Criteria: ACMG Guidelines, 2015. Collection method: clinical testing. Allele origin: germline.
Comment: The NBAS c.1549C>T variant is predicted to result in the amino acid substitution p.Arg517Cys. This variant was reported in the compound heterozygous state in individuals with pediatric acute liver failure (Staufner et al. 2020. PubMed ID: 31761904; Cotrina-Vinagre et al. 2021. PubMed ID: 33707149; Geem et al. 2021. PubMed ID: 34288298 ). An alternate nucleotide change affecting the same amino acid (c.1550G>A, p.Arg517His) was also reported in two individuals with acute liver failure (NBAS 12 and NBAS 64 in Table 1, Staufner et al. 2020. PubMed ID: 31761904). This variant is reported in 0.0035% of alleles in individuals of European (Non-Finnish) descent in gnomAD. This variant is interpreted as likely pathogenic.

GeneDx
Classification: Likely pathogenic. Last evaluated: 2023-05-31. Review status: criteria provided, single submitter. Criteria: GeneDx Variant Classification Process June 2021. Collection method: clinical testing. Allele origin: germline. Affected: yes.
Comment: In silico analysis supports that this missense variant has a deleterious effect on protein structure/function; Not observed at significant frequency in large population cohorts (gnomAD); This variant is associated with the following publications: (PMID: 34288298, 31761904, 33707149)

CeGaT Center for Human Genetics Tuebingen
Classification: Likely pathogenic. Last evaluated: 2020-09-01. Review status: criteria provided, single submitter. Criteria: CeGaT Center For Human Genetics Tuebingen Variant Classification Criteria Version 2. Collection method: clinical testing. Allele origin: germline. Affected: yes. Observed: 1 variant allele.

Literature cited by the submitters: PubMed 31761904 (cited by Women's Health and Genetics/Laboratory Corporation of America, LabCorp and Labcorp Genetics (formerly Invitae), Labcorp); PubMed 33707149 (cited by Women's Health and Genetics/Laboratory Corporation of America, LabCorp and Labcorp Genetics (formerly Invitae), Labcorp); PubMed 34288298 (cited by Women's Health and Genetics/Laboratory Corporation of America, LabCorp and Labcorp Genetics (formerly Invitae), Labcorp); PubMed 33542026 (cited by Women's Health and Genetics/Laboratory Corporation of America, LabCorp and Labcorp Genetics (formerly Invitae), Labcorp).